The following is an entry in ClinVar:

NM_024685.4(BBS10):c.1143T>C (p.Tyr381=)

Gene: BBS10 (Bardet-Biedl syndrome 10; minus strand). Cytogenetic location: 12q21.2.
Variant type: single nucleotide variant.
Coding change: c.1143T>C on transcript NM_024685.4 (MANE Select); coding-DNA position 1143, T replaced by C.
Protein change: p.Tyr381=; no amino-acid change (tyrosine 381 retained).
Molecular consequence: synonymous variant.
Genome position (GRCh38, 1-based): chr12:76,346,842, A>G on the plus strand (T>C on the coding strand, the complement: BBS10 is on the minus strand). VCF-style: chr12-76346842-A-G. GRCh37 (hg19) VCF-style: chr12-76740622-A-G.
Other names: c.1143T>C (NM_024685.3).
Identifiers: ClinVar variation 1674310 (VCV001674310.9), dbSNP rs1340165752, ClinGen allele CA481011402.

ClinVar aggregate classification (germline): Likely benign. Review status: criteria provided, single submitter (1 of 4 stars). 2 submissions from 2 submitters: Likely benign (1). 1 of the submissions does not count toward it. Last evaluated 2024-02-13.

Conditions:
BBS10-related disorder. Also called: BBS10-related condition.
Bardet-Biedl syndrome (BBS). Identifiers: Orphanet 110, MedGen C0752166, MONDO:0015229.

Allele frequency attached by ClinVar (database versions not stated): TOPMed below 0.00001.

Submissions (2):

Labcorp Genetics (formerly Invitae), Labcorp
Classification: Likely benign for Bardet-Biedl syndrome. Last evaluated: 2024-02-13. Review status: criteria provided, single submitter. Criteria: Invitae Variant Classification Sherloc (09022015). Collection method: clinical testing. Allele origin: germline.

PreventionGenetics, part of Exact Sciences
Classification: Likely benign for BBS10-related condition. Last evaluated: 2023-08-17. Review status: no assertion criteria provided. Collection method: clinical testing. Allele origin: germline. Not counted in ClinVar's aggregate classification.
Comment: This variant is classified as likely benign based on ACMG/AMP sequence variant interpretation guidelines (Richards et al. 2015 PMID: 25741868, with internal and published modifications).